The following is an entry in ClinVar:

ClinVar aggregate classification (germline): Pathogenic (1 of 4 stars; one submission).

Submission:

Labcorp Genetics (formerly Invitae), Labcorp
Classification: Pathogenic. Last evaluated: 2025-01-18. Review status: criteria provided, single submitter. Criteria: Invitae Variant Classification Sherloc (09022015). Collection method: clinical testing. Allele origin: germline.
Comment: This sequence change creates a premature translational stop signal (p.Arg103Leufs*20) in the ETV6 gene. It is expected to result in an absent or disrupted protein product. Loss-of-function variants in ETV6 are known to be pathogenic (PMID: 26102509, 27365488, 29034503). This variant is not present in population databases (gnomAD no frequency). This variant has not been reported in the literature in individuals affected with ETV6-related conditions. For these reasons, this variant has been classified as Pathogenic.

Literature cited by the submitters: PubMed 26102509; PubMed 27365488; PubMed 29034503.

NM_001987.5(ETV6):c.306_307dup (p.Arg103fs)

Genes: ETV6 (ETS variant transcription factor 6; plus strand), LOC126861451 (BRD4-independent group 4 enhancer GRCh37_chr12:11991350-11992549; plus strand). Cytogenetic location: 12p13.2.
Variant type: Duplication.
Coding change: c.306_307dup on transcript NM_001987.5 (MANE Select); coding-DNA positions 306 to 307, 2 bases duplicated (TC; older notation c.306_307dupTC).
Protein change: p.Arg103fs; shifts the reading frame from arginine 103.
Molecular consequence: frameshift variant.
Genome position (GRCh38, 1-based): chr12:11,839,282-11,839,283, TC duplicated. VCF-style (leftmost placement, unchanged base first): chr12-11839281-T-TTC. GRCh37 (hg19) VCF-style: chr12-11992215-T-TTC.
Other names: c.303_304dup, p.Arg102fs (NM_001413913.1); c.279_280dup, p.Arg94fs (NM_001413914.1); c.42_43dup, p.Arg15fs (NM_001413915.1); c.306_307dup, p.Arg103fs (NM_001413916.1, NM_001413917.1, NM_001413918.1); short protein forms R102fs, R103fs, R94fs, R15fs.
Identifiers: ClinVar variation 3729142 (VCV003729142.2).